The following is an entry in ClinVar:

NM_001035.3(RYR2):c.1991G>C (p.Ser664Thr)

Gene: RYR2 (ryanodine receptor 2; plus strand). Cytogenetic location: 1q43.
Variant type: single nucleotide variant.
Coding change: c.1991G>C on transcript NM_001035.3 (MANE Select); coding-DNA position 1991, G replaced by C.
Protein change: p.Ser664Thr; replaces serine 664 with threonine.
Molecular consequence: missense variant.
Genome position (GRCh38, 1-based): chr1:237,496,540, G>C. VCF-style: chr1-237496540-G-C. GRCh37 (hg19) VCF-style: chr1-237659840-G-C.
Other names: short protein forms S664T.
Identifiers: ClinVar variation 3708323 (VCV003708323.2).

ClinVar aggregate classification (germline): Uncertain significance (1 of 4 stars; one submission).

Conditions:
Catecholaminergic polymorphic ventricular tachycardia 1. Also called: VENTRICULAR TACHYCARDIA, STRESS-INDUCED POLYMORPHIC 1; VENTRICULAR TACHYCARDIA, CATECHOLAMINERGIC POLYMORPHIC, 1, WITH OR WITHOUT ATRIAL DYSFUNCTION AND/OR DILATED CARDIOMYOPATHY; RYR2-Related Catecholaminergic Polymorphic Ventricular Tachycardia. Identifiers: Orphanet 3286, MedGen C1631597, MONDO:0011484, OMIM 604772.

Submission:

Labcorp Genetics (formerly Invitae), Labcorp
Classification: Uncertain significance for Catecholaminergic polymorphic ventricular tachycardia 1. Last evaluated: 2025-01-06. Review status: criteria provided, single submitter. Criteria: Invitae Variant Classification Sherloc (09022015). Collection method: clinical testing. Allele origin: germline.
Comment: This sequence change replaces serine, which is neutral and polar, with threonine, which is neutral and polar, at codon 664 of the RYR2 protein (p.Ser664Thr). This variant is not present in population databases (gnomAD no frequency). This variant has not been reported in the literature in individuals affected with RYR2-related conditions. Invitae Evidence Modeling of protein sequence and biophysical properties (such as structural, functional, and spatial information, amino acid conservation, physicochemical variation, residue mobility, and thermodynamic stability) indicates that this missense variant is not expected to disrupt RYR2 protein function with a negative predictive value of 95%. In summary, the available evidence is currently insufficient to determine the role of this variant in disease. Therefore, it has been classified as a Variant of Uncertain Significance.